The following is an entry in ClinVar:

NM_001220.5(CAMK2B):c.1093G>A (p.Ala365Thr)

Gene: CAMK2B (calcium/calmodulin dependent protein kinase II beta; minus strand). Cytogenetic location: 7p13.
Variant type: single nucleotide variant.
Coding change: c.1093G>A on transcript NM_001220.5 (MANE Select); coding-DNA position 1093, G replaced by A.
Protein change: p.Ala365Thr; replaces alanine 365 with threonine.
Molecular consequence: missense variant. On other transcripts: intron variant (3).
Genome position (GRCh38, 1-based): chr7:44,234,428, C>T on the plus strand (G>A on the coding strand, the complement: CAMK2B is on the minus strand). VCF-style: chr7-44234428-C-T. GRCh37 (hg19) VCF-style: chr7-44274027-C-T.
Other names: c.1093G>A, p.Ala365Thr (NM_001293170.2, NM_172078.3); c.1021G>A, p.Ala341Thr (NM_172079.3, NM_172081.3); c.1018G>A, p.Ala340Thr (NM_172080.3); c.946+6279G>A (NM_172084.3); c.987+211G>A (NM_172083.3); c.1059+211G>A (NM_172082.3); short protein forms A340T, A341T, A365T.
Identifiers: ClinVar variation 1048819 (VCV001048819.4), dbSNP rs375397173, ClinGen allele CA4240475.
Genomic context (GRCh38, chr7:44,234,428, plus strand): 5'-CAGAATTTGAGGAGCTCAGTACCAGGGCGGCAGGAGGAAGCGTCCCTTTGGGGCTGGTGG[C>T]GGCTGCACTGTTTTTGGTGCTATTCGTCTGGGGCTGTGGAGAGAGGGAAGAGGAACTCTT-3'
Protein context (NP_001211.3, residues 355-375): QTNSTKNSAA[Ala365Thr]TSPKGTLPPA

ClinVar aggregate classification (germline): Conflicting classifications of pathogenicity. Review status: criteria provided, conflicting classifications (1 of 4 stars). 3 submissions from 3 submitters: Uncertain significance (1); Likely benign (1). 1 of the submissions does not count toward it. Last evaluated 2026-06-01.

Allele frequency attached by ClinVar (database versions not stated): gnomAD 0.00001 and 0.00003.
gnomAD v4.1: 16 of 1,547,520 alleles (0.001%); highest among the groups gnomAD compares: South Asian, 0.0087%; no homozygotes.

Submissions (3):

CeGaT Center for Human Genetics Tuebingen
Classification: Likely benign. Last evaluated: 2026-06-01. Review status: criteria provided, single submitter. Criteria: CeGaT Center For Human Genetics Tuebingen Variant Classification Criteria Version 2. Collection method: clinical testing. Allele origin: germline. Affected: yes. Observed: 1 variant allele.
Comment: CAMK2B: BP4, BS2

Labcorp Genetics (formerly Invitae), Labcorp
Classification: Uncertain significance. Last evaluated: 2025-02-12. Review status: criteria provided, single submitter. Criteria: Invitae Variant Classification Sherloc (09022015). Collection method: clinical testing. Allele origin: germline.
Comment: This sequence change replaces alanine, which is neutral and non-polar, with threonine, which is neutral and polar, at codon 365 of the CAMK2B protein (p.Ala365Thr). The frequency data for this variant in the population databases is considered unreliable, as metrics indicate poor data quality at this position in the gnomAD database. This variant has not been reported in the literature in individuals affected with CAMK2B-related conditions. ClinVar contains an entry for this variant (Variation ID: 1048819). An algorithm developed to predict the effect of missense changes on protein structure and function (PolyPhen-2) suggests that this variant is likely to be tolerated. In summary, the available evidence is currently insufficient to determine the role of this variant in disease. Therefore, it has been classified as a Variant of Uncertain Significance.

Department of Pathology and Laboratory Medicine, Sinai Health System
Classification: Uncertain significance. Review status: no assertion criteria provided. Collection method: clinical testing. Allele origin: unknown. Affected: yes. Study: The Canadian Open Genetics Repository (COGR). Not counted in ClinVar's aggregate classification.
Comment: The CAMK2B p.A365T variant was not identified in the literature nor was it identified in Clinvar. The variant was identified in dbSNP (ID: rs375397173) and in control databases in 3 of 204248 chromosomes at a frequency of 0.00001469 (Genome Aggregation Database March 6, 2019, v2.1.1). The p.A365 residue is not conserved in mammals and computational analyses (MUT Assesor, PolyPhen-2, SIFT, MutationTaster, Revel, FATHMM, MetaLR, DANN) do not suggest a high likelihood of impact to the protein; however this information is not predictive enough to rule out pathogenicity. The variant occurs outside of the splicing consensus sequence and in silico or computational prediction software programs (Splice AI exome) do not predict a deleterious effect on splicing. In summary, based on the above information the clinical significance of this variant cannot be determined with certainty at this time. This variant is classified as a variant of uncertain significance.